The following is an entry in ClinVar:

NM_005908.4(MANBA):c.2175dup (p.Ser726fs)

Gene: MANBA (mannosidase beta; minus strand). Cytogenetic location: 4q24.
Variant type: Duplication.
Coding change: c.2175dup on transcript NM_005908.4 (MANE Select); coding-DNA position 2175, one base duplicated (G; older notation c.2175dupG).
Protein change: p.Ser726fs; shifts the reading frame from serine 726.
Molecular consequence: frameshift variant.
Genome position (GRCh38, 1-based): chr4:102,635,028, C duplicated on the plus strand (G on the coding strand, the reverse complement: MANBA is on the minus strand); the first of 2 consecutive C bases (chr4:102,635,028-102,635,029); duplicating either gives the same sequence. VCF-style (leftmost placement, unchanged base first): chr4-102635027-T-TC. GRCh37 (hg19) VCF-style: chr4-103556184-T-TC.
Other names: c.2175dupG (NM_005908.4); short protein forms S726fs.
Identifiers: ClinVar variation 1683317 (VCV001683317.7), dbSNP rs771465504, ClinGen allele CA3026678.
Genomic context (GRCh38, chr4:102,635,027, plus strand): 5'-CCTCTCCTCCTTTCATCACAAAACGTTCAGTCACACGAGAGCACACGGGCTCCAGGGAGC[T>TC]CCATGTATGGACTCTCACCTGGGGAGAAATAAAACAGAATAAAAACAGGCATTCTTGGTT-3'

ClinVar aggregate classification (germline): Pathogenic/Likely pathogenic. Review status: criteria provided, multiple submitters, no conflicts (2 of 4 stars). 3 submissions from 3 submitters: Pathogenic (2); Likely pathogenic (1). Last evaluated 2025-12-22.

Conditions:
Beta-D-mannosidosis (MANSB). Also called: MANNOSIDOSIS, BETA A, LYSOSOMAL; BETA-MANNOSIDASE DEFICIENCY; LYSOSOMAL BETA-MANNOSIDASE DEFICIENCY; Beta-Mannosidosis. Identifiers: Orphanet 118, MedGen C4048196, MONDO:0009562, OMIM 248510.

Submissions (3):

Labcorp Genetics (formerly Invitae), Labcorp
Classification: Pathogenic for Beta-D-mannosidosis. Last evaluated: 2025-12-22. Review status: criteria provided, single submitter. Criteria: Invitae Variant Classification Sherloc (09022015). Collection method: clinical testing. Allele origin: germline.
Comment: This sequence change creates a premature translational stop signal (p.Ser726Glufs*12) in the MANBA gene. It is expected to result in an absent or disrupted protein product. Loss-of-function variants in MANBA are known to be pathogenic (PMID: 9384606, 12468273). This variant is present in population databases (rs771465504, gnomAD 0.007%). This variant has not been reported in the literature in individuals affected with MANBA-related conditions. ClinVar contains an entry for this variant (Variation ID: 1683317). For these reasons, this variant has been classified as Pathogenic.

Women's Health and Genetics/Laboratory Corporation of America, LabCorp
Classification: Pathogenic for Beta-D-mannosidosis. Last evaluated: 2025-01-22. Review status: criteria provided, single submitter. Criteria: LabCorp Variant Classification Summary - May 2015. Collection method: clinical testing. Allele origin: germline.
Comment: Variant summary: MANBA c.2175dupG (p.Ser726GlufsX12) results in a premature termination codon, predicted to cause a truncation of the encoded protein or absence of the protein due to nonsense mediated decay, which are commonly known mechanisms for disease. The variant allele was found at a frequency of 1.2e-05 in 251332 control chromosomes. To our knowledge, no occurrence of c.2175dupG in individuals affected with Beta-D-mannosidosis and no experimental evidence demonstrating its impact on protein function have been reported. ClinVar contains an entry for this variant (Variation ID: 1683317). Based on the evidence outlined above, the variant was classified as pathogenic.

Fulgent Genetics
Classification: Likely pathogenic for Beta-D-mannosidosis. Last evaluated: 2024-06-06. Review status: criteria provided, single submitter. Criteria: ACMG Guidelines, 2015. Collection method: clinical testing. Allele origin: germline.

Literature cited by the submitters: PubMed 9384606 (cited by Labcorp Genetics (formerly Invitae), Labcorp); PubMed 12468273 (cited by Labcorp Genetics (formerly Invitae), Labcorp).